The following is an entry in ClinVar:

NM_001875.5(CPS1):c.319C>T (p.Pro107Ser)

Gene: CPS1 (carbamoyl-phosphate synthase 1; plus strand). Cytogenetic location: 2q34.
Variant type: single nucleotide variant.
Coding change: c.319C>T on transcript NM_001875.5 (MANE Select); coding-DNA position 319, C replaced by T.
Protein change: p.Pro107Ser; replaces proline 107 with serine.
Molecular consequence: missense variant. On other transcripts: non-coding transcript variant (1).
Genome position (GRCh38, 1-based): chr2:210,576,428, C>T. VCF-style: chr2-210576428-C-T. GRCh37 (hg19) VCF-style: chr2-211441152-C-T.
Other names: c.319C>T, p.Pro107Ser (NM_001122633.3, NM_001369257.1); c.352C>T, p.Pro118Ser (NM_001369256.1); short protein forms P118S, P107S.
Identifiers: ClinVar variation 2190802 (VCV002190802.4), dbSNP rs1697715018, ClinGen allele CA350423135.

ClinVar aggregate classification (germline): Uncertain significance. Review status: criteria provided, multiple submitters, no conflicts (2 of 4 stars). 2 submissions from 2 submitters: Uncertain significance (2). Last evaluated 2025-06-09.

Conditions:
Inborn genetic diseases. Identifiers: MedGen C0950123, MeSH D030342.
Congenital hyperammonemia, type I. Also called: CPS I DEFICIENCY; Carbamoyl-phosphate synthase I deficiency; Carbamoyl phosphate synthetase I deficiency disease; Carbamoyl phosphate synthetase 1 deficiency; Hyperammonemia due to carbamoyl phosphate synthetase 1 deficiency; CPS 1 deficiency. Identifiers: Orphanet 147, MedGen C4082171, MONDO:0009376, OMIM 237300.

Allele frequency attached by ClinVar (database versions not stated): gnomAD exomes below 0.00001; TOPMed 0.00002.
gnomAD v4.1: 1 of 1,613,704 alleles (0.000062%); highest among the groups gnomAD compares: Non-Finnish European, 0.000085%; no homozygotes.

Submissions (2):

Labcorp Genetics (formerly Invitae), Labcorp
Classification: Uncertain significance for Congenital hyperammonemia, type I. Last evaluated: 2025-06-09. Review status: criteria provided, single submitter. Criteria: Invitae Variant Classification Sherloc (09022015). Collection method: clinical testing. Allele origin: germline.
Comment: This sequence change replaces proline, which is neutral and non-polar, with serine, which is neutral and polar, at codon 107 of the CPS1 protein (p.Pro107Ser). This variant is not present in population databases (gnomAD no frequency). This variant has not been reported in the literature in individuals affected with CPS1-related conditions. ClinVar contains an entry for this variant (Variation ID: 2190802). Invitae Evidence Modeling of protein sequence and biophysical properties (such as structural, functional, and spatial information, amino acid conservation, physicochemical variation, residue mobility, and thermodynamic stability) has been performed for this missense variant. However, the output from this modeling did not meet the statistical confidence thresholds required to predict the impact of this variant on CPS1 protein function. In summary, the available evidence is currently insufficient to determine the role of this variant in disease. Therefore, it has been classified as a Variant of Uncertain Significance.

Ambry Genetics
Classification: Uncertain significance for Inborn genetic diseases. Last evaluated: 2024-08-04. Review status: criteria provided, single submitter. Criteria: Ambry Variant Classification Scheme 2023. Collection method: clinical testing. Allele origin: germline.